The following is an entry in ClinVar:

NM_001364905.1(LRBA):c.1243A>G (p.Ser415Gly)

Gene: LRBA (LPS responsive beige-like anchor protein; minus strand). Cytogenetic location: 4q31.3.
Variant type: single nucleotide variant.
Coding change: c.1243A>G on transcript NM_001364905.1 (MANE Select); coding-DNA position 1243, A replaced by G.
Protein change: p.Ser415Gly; replaces serine 415 with glycine.
Molecular consequence: missense variant.
Genome position (GRCh38, 1-based): chr4:150,908,776, T>C on the plus strand (A>G on the coding strand, the complement: LRBA is on the minus strand). VCF-style: chr4-150908776-T-C. GRCh37 (hg19) VCF-style: chr4-151829928-T-C.
Other names: c.1243A>G, p.Ser415Gly (NM_001199282.3, NM_001367550.1, NM_006726.5); short protein forms S415G.
Identifiers: ClinVar variation 1421918 (VCV001421918.8), dbSNP rs144382204, ClinGen allele CA107820722.

ClinVar aggregate classification (germline): Uncertain significance (1 of 4 stars; one submission).

Conditions:
Combined immunodeficiency due to LRBA deficiency. Also called: Common variable immunodeficiency 8, with autoimmunity. Identifiers: Orphanet 445018, MedGen C3553512, MONDO:0013863, OMIM 614700.

Allele frequency attached by ClinVar (database versions not stated): gnomAD exomes below 0.00001; TOPMed below 0.00001; ESP Exome Variant Server 0.00008.
gnomAD v4.1: 1 of 1,613,812 alleles (0.000062%); highest among the groups gnomAD compares: Non-Finnish European, 0.000085%; no homozygotes.

Submission:

Labcorp Genetics (formerly Invitae), Labcorp
Classification: Uncertain significance for Combined immunodeficiency due to LRBA deficiency. Last evaluated: 2021-04-23. Review status: criteria provided, single submitter. Criteria: Invitae Variant Classification Sherloc (09022015). Collection method: clinical testing. Allele origin: germline.
Comment: This sequence change replaces serine with glycine at codon 415 of the LRBA protein (p.Ser415Gly). The serine residue is moderately conserved and there is a small physicochemical difference between serine and glycine. In summary, the available evidence is currently insufficient to determine the role of this variant in disease. Therefore, it has been classified as a Variant of Uncertain Significance. Algorithms developed to predict the effect of missense changes on protein structure and function output the following: SIFT: "Tolerated"; PolyPhen-2: "Benign"; Align-GVGD: "Class C0". The glycine amino acid residue is found in multiple mammalian species, suggesting that this missense change does not adversely affect protein function. These predictions have not been confirmed by published functional studies and their clinical significance is uncertain. This variant has not been reported in the literature in individuals with LRBA-related conditions. This variant is not present in population databases (ExAC no frequency).